The following is an entry in ClinVar:

ClinVar aggregate classification (germline): Pathogenic (1 of 4 stars; one submission).

Submission:

Labcorp Genetics (formerly Invitae), Labcorp
Classification: Pathogenic. Last evaluated: 2020-10-09. Review status: criteria provided, single submitter. Criteria: Invitae Variant Classification Sherloc (09022015). Collection method: clinical testing. Allele origin: germline.
Comment: For these reasons, this variant has been classified as Pathogenic. Loss-of-function variants in EIF2B5 are known to be pathogenic (PMID: 11704758, 15060152, 21307862). This variant has not been reported in the literature in individuals with EIF2B5-related conditions. This variant is not present in population databases (ExAC no frequency). This sequence change creates a premature translational stop signal (p.Trp515Glyfs*11) in the EIF2B5 gene. It is expected to result in an absent or disrupted protein product.

Literature cited by the submitters: PubMed 11704758; PubMed 15060152; PubMed 21307862.

NM_003907.3(EIF2B5):c.1543_1544del (p.Trp515fs)

Gene: EIF2B5 (eukaryotic translation initiation factor 2B subunit epsilon; plus strand). Cytogenetic location: 3q27.1.
Variant type: Microsatellite.
Coding change: c.1543_1544del on transcript NM_003907.3 (MANE Select); coding-DNA positions 1543 to 1544, 2 bases deleted (TG; older notation c.1543_1544delTG).
Protein change: p.Trp515fs; shifts the reading frame from tryptophan 515.
Molecular consequence: frameshift variant.
Genome position (GRCh38, 1-based): chr3:184,142,600-184,142,601, TG deleted; deleting any 2 consecutive bases within chr3:184,142,598-184,142,601 gives the same sequence; the c. name uses the placement nearest the transcript's 3' end. VCF-style (leftmost placement, unchanged base first): chr3-184142597-CTG-C. GRCh37 (hg19) VCF-style: chr3-183860385-CTG-C.
Other names: short protein forms W515fs.
Identifiers: ClinVar variation 1071687 (VCV001071687.5), dbSNP rs2109010735, ClinGen allele CA2580616018.
Genomic context (GRCh38, chr3:184,142,597, plus strand): 5'-GGCTACCTCTGGAAAGCTGCAGGCATGAACATGGAGGAAGAGGAGGAACTGCAGCAGAAT[CTG>C]TGGGGTGAGCTAGGCCTGATGCCTGCCCTTCTCCTCCTGAATCGGAATATTTTGAAGGAT-3'